The following is an entry in ClinVar:

NM_001429.4(EP300):c.257G>A (p.Arg86Gln)

Gene: EP300 (EP300 lysine acetyltransferase; plus strand). Cytogenetic location: 22q13.2.
Variant type: single nucleotide variant.
Coding change: c.257G>A on transcript NM_001429.4 (MANE Select); coding-DNA position 257, G replaced by A.
Protein change: p.Arg86Gln; replaces arginine 86 with glutamine.
Molecular consequence: missense variant.
Genome position (GRCh38, 1-based): chr22:41,117,349, G>A. VCF-style: chr22-41117349-G-A. GRCh37 (hg19) VCF-style: chr22-41513353-G-A.
Other names: c.257G>A, p.Arg86Gln (NM_001362843.2); c.257G>A (NM_001429.3); short protein forms R86Q.
Identifiers: ClinVar variation 2418711 (VCV002418711.7), dbSNP rs147121738, ClinGen allele CA10252214.

ClinVar aggregate classification (germline): Benign. Review status: criteria provided, single submitter (1 of 4 stars). 2 submissions from 2 submitters: Benign (1). 1 of the submissions does not count toward it. Last evaluated 2024-10-03.

Conditions:
EP300-related disorder. Also called: EP300-related condition; EP300-related disorders.
Rubinstein-Taybi syndrome due to EP300 haploinsufficiency. Also called: RUBINSTEIN-TAYBI SYNDROME 2; EP300-Related Rubinstein-Taybi Syndrome. Identifiers: Orphanet 353284, Orphanet 783, MedGen C3150941, MONDO:0013364, OMIM 613684.

Allele frequency attached by ClinVar (database versions not stated): ExAC 0.00002; TOPMed 0.00002; ESP Exome Variant Server 0.00015.

Submissions (2):

Labcorp Genetics (formerly Invitae), Labcorp
Classification: Benign for Rubinstein-Taybi syndrome due to EP300 haploinsufficiency. Last evaluated: 2024-10-03. Review status: criteria provided, single submitter. Criteria: Invitae Variant Classification Sherloc (09022015). Collection method: clinical testing. Allele origin: germline.

PreventionGenetics, part of Exact Sciences
Classification: Uncertain significance for EP300-related condition. Last evaluated: 2024-07-24. Review status: no assertion criteria provided. Collection method: clinical testing. Allele origin: germline. Not counted in ClinVar's aggregate classification.
Comment: The EP300 c.257G>A variant is predicted to result in the amino acid substitution p.Arg86Gln. To our knowledge, this variant has not been reported in the literature. This variant is reported in 0.0040% of alleles in individuals of African descent in gnomAD. At this time, the clinical significance of this variant is uncertain due to the absence of conclusive functional and genetic evidence.